The following is an entry in ClinVar:

NM_000108.5(DLD):c.803_804del (p.Gln268fs)

Gene: DLD (dihydrolipoamide dehydrogenase; plus strand). Cytogenetic location: 7q31.1.
Variant type: Deletion.
Coding change: c.803_804del on transcript NM_000108.5 (MANE Select); coding-DNA positions 803 to 804, 2 bases deleted (AG; older notation c.803_804delAG).
Protein change: p.Gln268fs; shifts the reading frame from glutamine 268.
Molecular consequence: frameshift variant.
Genome position (GRCh38, 1-based): chr7:107,915,624-107,915,625, AG deleted. VCF-style (leftmost placement, unchanged base first): chr7-107915623-CAG-C. GRCh37 (hg19) VCF-style: chr7-107556068-CAG-C.
Other names: c.506_507del, p.Gln169fs (NM_001289750.1); c.734_735del, p.Gln245fs (NM_001289751.1); c.659_660del, p.Gln220fs (NM_001289752.1); c.803_804delAG (NM_000108.4); short protein forms Q220fs, Q245fs, Q268fs, Q169fs.
Identifiers: ClinVar variation 424264 (VCV000424264.16), dbSNP rs764611160, ClinGen allele CA4434560.

ClinVar aggregate classification (germline): Pathogenic/Likely pathogenic. Review status: criteria provided, multiple submitters, no conflicts (2 of 4 stars). 6 submissions from 6 submitters: Pathogenic (3); Likely pathogenic (2). 1 of the submissions does not count toward it. Last evaluated 2024-09-21.

Conditions:
Pyruvate dehydrogenase E3 deficiency (DLDD). Also called: Dihydrolipoamide Dehydrogenase (E3) Deficiency; MAPLE SYRUP URINE DISEASE, TYPE III; DLD DEFICIENCY; E3 DEFICIENCY; Lipoamide dehydrogenase deficiency, lactic acidosis due to; Dihydrolipoamide Dehydrogenase Deficiency. Identifiers: Orphanet 2394, Orphanet 765, MedGen C5574660, MONDO:0009529, OMIM 246900.

Allele frequency attached by ClinVar (database versions not stated): ExAC 0.00001; gnomAD exomes 0.00001.

Submissions (6):

Natera, Inc.
Classification: Pathogenic for Maple syrup urine disease type 3. Last evaluated: 2024-09-21. Review status: criteria provided, single submitter. Criteria: Natera Variant Classification Schema (03/2026). Collection method: clinical testing. Allele origin: germline.
Comment: The c.803_804delAG variant in DLD is a frameshift variant predicted to shift the reading frame beginning at codon 268 and leads to a stop codon 3 codons downstream. This variant is expected to result in nonsense mediated decay, truncation, or a dysfunctional protein product. This variant is rare in the general population with a frequency below the threshold expected for the associated phenotype(s). This variant has been observed in one or more individuals affected with the associated recessive disease, as either homozygous or compound heterozygous with a second variant (PMID: 33092611). Given the available evidence, this variant is classified as Pathogenic.

Baylor Genetics
Classification: Likely pathogenic for Pyruvate dehydrogenase E3 deficiency. Last evaluated: 2024-03-01. Review status: criteria provided, single submitter. Criteria: ACMG Guidelines, 2015. Collection method: clinical testing. Allele origin: unknown.

Labcorp Genetics (formerly Invitae), Labcorp
Classification: Pathogenic for Pyruvate dehydrogenase E3 deficiency. Last evaluated: 2022-04-29. Review status: criteria provided, single submitter. Criteria: Invitae Variant Classification Sherloc (09022015). Collection method: clinical testing. Allele origin: germline.
Comment: For these reasons, this variant has been classified as Pathogenic. ClinVar contains an entry for this variant (Variation ID: 424264). This premature translational stop signal has been observed in individual(s) with DLD-related conditions (PMID: 33092611). This variant is present in population databases (rs764611160, gnomAD 0.003%). This sequence change creates a premature translational stop signal (p.Gln268Argfs*3) in the DLD gene. It is expected to result in an absent or disrupted protein product. Loss-of-function variants in DLD are known to be pathogenic (PMID: 8968745, 9934985).

Revvity Omics, Revvity
Classification: Likely pathogenic for Pyruvate dehydrogenase E3 deficiency. Last evaluated: 2022-04-05. Review status: criteria provided, single submitter. Criteria: ACMG Guidelines, 2015. Collection method: clinical testing. Allele origin: germline.

GeneDx
Classification: Pathogenic. Last evaluated: 2017-03-16. Review status: criteria provided, single submitter. Criteria: GeneDx Variant Classification (06012015). Collection method: clinical testing. Allele origin: germline. Affected: yes.
Comment: The c.803_804delAG variant in the DLD gene has not been reported previously as a pathogenic variant nor as a benign variant, to our knowledge. The c.803_804delAG variant causes a frameshift starting with codon Glutamine 268, changes this amino acid to an Arginine residue, and creates a premature Stop codon at position 3 of the new reading frame, denoted p.Gln268ArgfsX3. This variant is predicted to cause loss of normal protein function either through protein truncation or nonsense-mediated mRNA decay. The c.803_804delAG variant is not observed at a significant frequency in large population cohorts (Lek et al., 2016; 1000 Genomes Consortium et al., 2015; Exome Variant Server). We interpret c.803_804delAG as a pathogenic variant.

Counsyl
Classification: Likely pathogenic for Pyruvate dehydrogenase E3 deficiency. Last evaluated: 2015-03-15. Review status: no assertion criteria provided. Collection method: clinical testing. Allele origin: unknown. Not counted in ClinVar's aggregate classification.

Literature cited by the submitters: PubMed 33092611 (cited by Natera, Inc. and Labcorp Genetics (formerly Invitae), Labcorp); PubMed 8968745 (cited by Labcorp Genetics (formerly Invitae), Labcorp); PubMed 9934985 (cited by Labcorp Genetics (formerly Invitae), Labcorp).